The following is an entry in ClinVar:

NM_000504.4(F10):c.328T>C (p.Cys110Arg)

Gene: F10 (coagulation factor X; plus strand). Cytogenetic location: 13q34.
Variant type: single nucleotide variant.
Coding change: c.328T>C on transcript NM_000504.4 (MANE Select); coding-DNA position 328, T replaced by C.
Protein change: p.Cys110Arg; replaces cysteine 110 with arginine.
Molecular consequence: missense variant.
Genome position (GRCh38, 1-based): chr13:113,139,428, T>C. VCF-style: chr13-113139428-T-C. GRCh37 (hg19) VCF-style: chr13-113793742-T-C.
Other names: p.Cys110Arg; c.328T>C, p.Cys110Arg (NM_001312674.2, NM_001312675.2); short protein forms C110R.
Identifiers: ClinVar variation 2683244 (VCV002683244.1), dbSNP rs2503095691, ClinGen allele CA388788246.

ClinVar aggregate classification (germline): Uncertain significance (1 of 4 stars; one submission).

Submission:

Mayo Clinic Laboratories, Mayo Clinic
Classification: Uncertain significance. Last evaluated: 2022-11-18. Review status: criteria provided, single submitter. Criteria: ACMG Guidelines, 2015. Collection method: clinical testing. Allele origin: germline. Observed: 1 variant allele.
Comment: PP3, PM1, PM2